The following is an entry in ClinVar:

NM_006929.5(SKIC2):c.1858C>T (p.Gln620Ter)

Gene: SKIC2 (SKI2 subunit of superkiller complex; plus strand). Cytogenetic location: 6p21.33.
Variant type: single nucleotide variant.
Coding change: c.1858C>T on transcript NM_006929.5 (MANE Select); coding-DNA position 1858, C replaced by T.
Protein change: p.Gln620Ter; replaces glutamine 620 with a stop codon.
Molecular consequence: nonsense.
Genome position (GRCh38, 1-based): chr6:31,964,123, C>T. VCF-style: chr6-31964123-C-T. GRCh37 (hg19) VCF-style: chr6-31931900-C-T.
Other names: short protein forms Q620*.
Identifiers: ClinVar variation 2831644 (VCV002831644.3), dbSNP rs2482948092, ClinGen allele CA363463549.

ClinVar aggregate classification (germline): Pathogenic (1 of 4 stars; one submission).

Submission:

Labcorp Genetics (formerly Invitae), Labcorp
Classification: Pathogenic. Last evaluated: 2023-02-09. Review status: criteria provided, single submitter. Criteria: Invitae Variant Classification Sherloc (09022015). Collection method: clinical testing. Allele origin: germline.
Comment: This sequence change creates a premature translational stop signal (p.Gln620*) in the SKIV2L gene. It is expected to result in an absent or disrupted protein product. Loss-of-function variants in SKIV2L are known to be pathogenic (PMID: 22444670). This variant is not present in population databases (gnomAD no frequency). This variant has not been reported in the literature in individuals affected with SKIV2L-related conditions. For these reasons, this variant has been classified as Pathogenic.

Literature cited by the submitters: PubMed 22444670.